The following is an entry in ClinVar:

NM_001374353.1(GLI2):c.258C>T (p.Pro86=)

Gene: GLI2 (GLI family zinc finger 2; plus strand). Cytogenetic location: 2q14.2.
Variant type: single nucleotide variant.
Coding change: c.258C>T on transcript NM_001374353.1 (MANE Select); coding-DNA position 258, C replaced by T.
Protein change: p.Pro86=; no amino-acid change (proline 86 retained).
Molecular consequence: synonymous variant. On other transcripts: 5 prime UTR variant (1).
Genome position (GRCh38, 1-based): chr2:120,951,246, C>T. VCF-style: chr2-120951246-C-T. GRCh37 (hg19) VCF-style: chr2-121708822-C-T.
Other names: c.258C>T, p.Pro86= (NM_001371271.1, NM_005270.5); c.-118C>T (NM_001374354.1); c.258C>T (NM_005270.4).
Identifiers: ClinVar variation 2942127 (VCV002942127.5), dbSNP rs779141145, ClinGen allele CA1851488.

ClinVar aggregate classification (germline): Likely benign. Review status: criteria provided, single submitter (1 of 4 stars). 2 submissions from 2 submitters: Likely benign (1). 1 of the submissions does not count toward it. Last evaluated 2026-01-13.

Conditions:
GLI2-related disorder. Also called: GLI2-related condition; GLI2-related disorders.
Holoprosencephaly 9 (HPE9). Also called: PITUITARY ANOMALIES WITH HOLOPROSENCEPHALY-LIKE FEATURES; HOLOPROSENCEPHALY WITH MICROPHTHALMIA AND FIRST BRANCHIAL ARCH ANOMALIES. Identifiers: Orphanet 2162, MedGen C1835819, MONDO:0012563, OMIM 610829.
Postaxial polydactyly-anterior pituitary anomalies-facial dysmorphism syndrome. Also called: Culler-Jones syndrome. Identifiers: Orphanet 420584, MedGen C4014479, MONDO:0014369, OMIM 615849.

Allele frequency attached by ClinVar (database versions not stated): TOPMed 0.00004; ExAC 0.00007; gnomAD 0.00001.
gnomAD v4.1: 18 of 1,596,986 alleles (0.0011%); highest among the groups gnomAD compares: Admixed American, 0.03%; no homozygotes.

Submissions (2):

Labcorp Genetics (formerly Invitae), Labcorp
Classification: Likely benign for Postaxial polydactyly-anterior pituitary anomalies-facial dysmorphism syndrome; Holoprosencephaly 9. Last evaluated: 2026-01-13. Review status: criteria provided, single submitter. Criteria: Invitae Variant Classification Sherloc (09022015). Collection method: clinical testing. Allele origin: germline.

PreventionGenetics, part of Exact Sciences
Classification: Likely benign for GLI2-related condition. Last evaluated: 2022-07-20. Review status: no assertion criteria provided. Collection method: clinical testing. Allele origin: germline. Not counted in ClinVar's aggregate classification.
Comment: This variant is classified as likely benign based on ACMG/AMP sequence variant interpretation guidelines (Richards et al. 2015 PMID: 25741868, with internal and published modifications).